The following is an entry in ClinVar:

ClinVar aggregate classification (germline): Uncertain significance (1 of 4 stars; one submission).

Submission:

Labcorp Genetics (formerly Invitae), Labcorp
Classification: Uncertain significance. Last evaluated: 2021-12-02. Review status: criteria provided, single submitter. Criteria: Invitae Variant Classification Sherloc (09022015). Collection method: clinical testing. Allele origin: germline.
Comment: In summary, the available evidence is currently insufficient to determine the role of this variant in disease. Therefore, it has been classified as a Variant of Uncertain Significance. This variant has not been reported in the literature in individuals affected with LAMA1-related conditions. This variant is a gross deletion of the genomic region encompassing exon(s) 4-8 of the LAMA1 gene. This variant would be expected to be in-frame, preserving the integrity of the reading frame.

NC_000018.9:g.(?_7043206)_(7050955_?)del

Gene: LAMA1 (laminin subunit alpha 1; minus strand). Cytogenetic location: 18p11.31.
Variant type: Deletion.
Identifiers: ClinVar variation 1449208 (VCV001449208.7).